The following is an entry in ClinVar:

NM_001374385.1(ATP8B1):c.3219C>T (p.Ala1073=)

Genes: ATP8B1 (ATPase phospholipid transporting 8B1; minus strand), ATP8B1-AS1 (ATP8B1 antisense RNA 1; plus strand). Cytogenetic location: 18q21.31.
Variant type: single nucleotide variant.
Coding change: c.3219C>T on transcript NM_001374385.1 (MANE Select); coding-DNA position 3219, C replaced by T.
Protein change: p.Ala1073=; no amino-acid change (alanine 1073 retained).
Molecular consequence: synonymous variant.
Genome position (GRCh38, 1-based): chr18:57,652,526, G>A on the plus strand (C>T on the coding strand, the complement: ATP8B1 is on the minus strand). VCF-style: chr18-57652526-G-A. GRCh37 (hg19) VCF-style: chr18-55319758-G-A.
Other names: c.3069C>T, p.Ala1023= (NM_001374386.1); c.3219C>T, p.Ala1073= (NM_005603.6); c.3219C>T (NM_005603.4).
Identifiers: ClinVar variation 2898424 (VCV002898424.5), dbSNP rs199499992, ClinGen allele CA8974061.

ClinVar aggregate classification (germline): Likely benign. Review status: criteria provided, single submitter (1 of 4 stars). 2 submissions from 2 submitters: Likely benign (1). 1 of the submissions does not count toward it. Last evaluated 2026-01-17.

Conditions:
ATP8B1-related disorder. Also called: ATP8B1-related disorders; ATP8B1-related condition.

Allele frequency attached by ClinVar (database versions not stated): gnomAD 0.00001; TOPMed 0.00003; 1000 Genomes Project 0.00040; 1000 Genomes Project 30x 0.00047.
gnomAD v4.1: 25 of 1,614,176 alleles (0.0015%); highest among the groups gnomAD compares: East Asian, 0.033%; no homozygotes.

Submissions (2):

Labcorp Genetics (formerly Invitae), Labcorp
Classification: Likely benign. Last evaluated: 2026-01-17. Review status: criteria provided, single submitter. Criteria: Invitae Variant Classification Sherloc (09022015). Collection method: clinical testing. Allele origin: germline.

PreventionGenetics, part of Exact Sciences
Classification: Likely benign for ATP8B1-related condition. Last evaluated: 2022-08-26. Review status: no assertion criteria provided. Collection method: clinical testing. Allele origin: germline. Not counted in ClinVar's aggregate classification.
Comment: This variant is classified as likely benign based on ACMG/AMP sequence variant interpretation guidelines (Richards et al. 2015 PMID: 25741868, with internal and published modifications).